The following is an entry in ClinVar:

NM_001329.4(CTBP2):c.978T>C (p.Ser326=)

Gene: CTBP2 (C-terminal binding protein 2; minus strand). Cytogenetic location: 10q26.13.
Variant type: single nucleotide variant.
Coding change: c.978T>C on transcript NM_001329.4 (MANE Select); coding-DNA position 978, T replaced by C.
Protein change: p.Ser326=; no amino-acid change (serine 326 retained).
Molecular consequence: synonymous variant.
Genome position (GRCh38, 1-based): chr10:124,993,263, A>G on the plus strand (T>C on the coding strand, the complement: CTBP2 is on the minus strand). VCF-style: chr10-124993263-A-G. GRCh37 (hg19) VCF-style: chr10-126681832-A-G.
Other names: c.978T>C, p.Ser326= (NM_001083914.3, NM_001290214.3, NM_001290215.3 and 3 more transcripts); c.1182T>C, p.Ser394= (NM_001363508.2); c.2598T>C, p.Ser866= (NM_022802.3).
Identifiers: ClinVar variation 2640947 (VCV002640947.24), dbSNP rs141956363, ClinGen allele CA5735707.

ClinVar aggregate classification (germline): Likely benign (1 of 4 stars; one submission).

Allele frequency attached by ClinVar (database versions not stated): ExAC 0.00005; ESP Exome Variant Server 0.00038; gnomAD 0.00005; TOPMed 0.00006; gnomAD exomes 0.00009.
gnomAD v4.1: 137 of 1,607,560 alleles (0.0085%); highest among the groups gnomAD compares: Non-Finnish European, 0.011%; no homozygotes.

Submission:

CeGaT Center for Human Genetics Tuebingen
Classification: Likely benign. Last evaluated: 2023-08-01. Review status: criteria provided, single submitter. Criteria: CeGaT Center For Human Genetics Tuebingen Variant Classification Criteria Version 2. Collection method: clinical testing. Allele origin: germline. Affected: yes. Observed: 2 variant alleles.
Comment: CTBP2: BP4, BP7